The following is an entry in ClinVar:

NM_000038.6(APC):c.6277T>A (p.Ser2093Thr)

Gene: APC (APC regulator of Wnt signaling pathway; plus strand). Cytogenetic location: 5q22.2.
Variant type: single nucleotide variant.
Coding change: c.6277T>A on transcript NM_000038.6 (MANE Select); coding-DNA position 6277, T replaced by A.
Protein change: p.Ser2093Thr; replaces serine 2093 with threonine.
Molecular consequence: missense variant. On other transcripts: non-coding transcript variant (2).
Genome position (GRCh38, 1-based): chr5:112,841,871, T>A. VCF-style: chr5-112841871-T-A. GRCh37 (hg19) VCF-style: chr5-112177568-T-A.
Other names: c.6277T>A, p.Ser2093Thr (NM_001127510.3, NM_001354895.2, NM_001407450.1); c.6223T>A, p.Ser2075Thr (NM_001127511.3); c.6331T>A, p.Ser2111Thr (NM_001354896.2, NM_001407447.1, NM_001407448.1 and 1 more transcripts); c.6307T>A, p.Ser2103Thr (NM_001354897.2); c.6202T>A, p.Ser2068Thr (NM_001354898.2); c.6193T>A, p.Ser2065Thr (NM_001354899.2); c.6154T>A, p.Ser2052Thr (NM_001354900.2); c.6100T>A, p.Ser2034Thr (NM_001354901.2, NM_001407453.1); and 11 more; short protein forms S2002T, S2065T, S2068T, S2086T, S2093T, S2121T, S1709T, S1967T.
Identifiers: ClinVar variation 5025291 (VCV005025291.1).

ClinVar aggregate classification (germline): Uncertain significance (1 of 4 stars; one submission).

Conditions:
Hereditary cancer-predisposing syndrome. Also called: Neoplastic Syndromes, Hereditary; Tumor predisposition; Hereditary neoplastic syndrome; Hereditary Cancer Syndrome. Identifiers: Orphanet 140162, MedGen C0027672, MeSH D009386, MONDO:0015356.

Submission:

Ambry Genetics
Classification: Uncertain significance for Hereditary cancer-predisposing syndrome. Last evaluated: 2026-07-07. Review status: criteria provided, single submitter. Criteria: Ambry Variant Classification Scheme 2023. Collection method: clinical testing. Allele origin: germline.
Comment: The p.S2093T variant (also known as c.6277T>A), located in coding exon 15 of the APC gene, results from a T to A substitution at nucleotide position 6277. The serine at codon 2093 is replaced by threonine, an amino acid with similar properties. This amino acid position is conserved. In addition, in silico predictors for this gene do not accurately predict pathogenicity. Based on the available evidence, the clinical significance of this variant remains unclear.